The following is an entry in ClinVar:

ClinVar aggregate classification (germline): Uncertain significance (1 of 4 stars; one submission).

Submission:

Labcorp Genetics (formerly Invitae), Labcorp
Classification: Uncertain significance. Last evaluated: 2025-03-24. Review status: criteria provided, single submitter. Criteria: Invitae Variant Classification Sherloc (09022015). Collection method: clinical testing. Allele origin: germline.
Comment: This sequence change replaces methionine, which is neutral and non-polar, with isoleucine, which is neutral and non-polar, at codon 1289 of the TRRAP protein (p.Met1289Ile). This variant is not present in population databases (gnomAD no frequency). This variant has not been reported in the literature in individuals affected with TRRAP-related conditions. Invitae Evidence Modeling of protein sequence and biophysical properties (such as structural, functional, and spatial information, amino acid conservation, physicochemical variation, residue mobility, and thermodynamic stability) indicates that this missense variant is not expected to disrupt TRRAP protein function with a negative predictive value of 80%. In summary, the available evidence is currently insufficient to determine the role of this variant in disease. Therefore, it has been classified as a Variant of Uncertain Significance.

NM_001375524.1(TRRAP):c.3867G>T (p.Met1289Ile)

Gene: TRRAP (transformation/transcription domain associated protein; plus strand). Cytogenetic location: 7q22.1.
Variant type: single nucleotide variant.
Coding change: c.3867G>T on transcript NM_001375524.1 (MANE Select); coding-DNA position 3867, G replaced by T.
Protein change: p.Met1289Ile; replaces methionine 1289 with isoleucine.
Molecular consequence: missense variant.
Genome position (GRCh38, 1-based): chr7:98,933,255, G>T. VCF-style: chr7-98933255-G-T. GRCh37 (hg19) VCF-style: chr7-98530878-G-T.
Other names: c.3867G>T, p.Met1289Ile (NM_001244580.2, NM_003496.4); short protein forms M1289I.
Identifiers: ClinVar variation 4719668 (VCV004719668.1).